The following is an entry in ClinVar:

NM_006031.6(PCNT):c.8873G>A (p.Arg2958His)

Gene: PCNT (pericentrin; plus strand). Cytogenetic location: 21q22.3.
Variant type: single nucleotide variant.
Coding change: c.8873G>A on transcript NM_006031.6 (MANE Select); coding-DNA position 8873, G replaced by A.
Protein change: p.Arg2958His; replaces arginine 2958 with histidine.
Molecular consequence: missense variant.
Genome position (GRCh38, 1-based): chr21:46,436,025, G>A. VCF-style: chr21-46436025-G-A. GRCh37 (hg19) VCF-style: chr21-47855938-G-A.
Other names: c.8282G>A, p.Arg2761His (NM_001315529.2); short protein forms R2958H, R2761H.
Identifiers: ClinVar variation 159678 (VCV000159678.10), dbSNP rs574728262, ClinGen allele CA251118.

ClinVar aggregate classification (germline): Uncertain significance. Review status: criteria provided, multiple submitters, no conflicts (2 of 4 stars). 3 submissions from 3 submitters: Uncertain significance (3). Last evaluated 2026-07-14.

Conditions:
PCNT-related disorder. Also called: PCNT-related condition.
Microcephalic osteodysplastic primordial dwarfism type II (MOPD2). Also called: Microcephalic osteodysplastic primordial dwarfism with tooth abnormalities; MOPD II; OSTEODYSPLASTIC PRIMORDIAL DWARFISM, TYPE II. Identifiers: Orphanet 2637, MedGen C0432246, MONDO:0008872, OMIM 210720.

Allele frequency attached by ClinVar (database versions not stated): gnomAD 0.00004 and 0.00005; ExAC 0.00008; TOPMed 0.00010; 1000 Genomes Project 30x 0.00031; 1000 Genomes Project 0.00040.
gnomAD v4.1: 53 of 1,614,048 alleles (0.0033%); highest among the groups gnomAD compares: Middle Eastern, 0.082%; 1 homozygote.

Submissions (3):

PreventionGenetics, part of Exact Sciences
Classification: Uncertain significance for PCNT-related condition. Last evaluated: 2026-07-14. Review status: criteria provided, single submitter. Criteria: ACMG Guidelines, 2015. Collection method: clinical testing. Allele origin: germline.
Comment: The PCNT c.8873G>A variant is predicted to result in the amino acid substitution p.Arg2958His. To our knowledge, this variant has not been reported in the literature in individuals with PCNT-related conditions. This variant is reported in 0.033% of alleles in individuals of South Asian descent in gnomAD. At this time, the clinical significance of this variant is uncertain due to the absence of conclusive functional and genetic evidence.

Fulgent Genetics
Classification: Uncertain significance for Microcephalic osteodysplastic primordial dwarfism type II. Last evaluated: 2018-10-31. Review status: criteria provided, single submitter. Criteria: ACMG Guidelines, 2015. Collection method: clinical testing. Allele origin: unknown.

Genetic Services Laboratory, University of Chicago
Classification: Uncertain significance for Microcephalic osteodysplastic primordial dwarfism, type II. Last evaluated: 2014-02-13. Review status: criteria provided, single submitter. Criteria: ACMG Guidelines, 2007. Collection method: clinical testing. Allele origin: germline. Inheritance: Autosomal recessive inheritance.